The following is an entry in ClinVar:

NM_000090.4(COL3A1):c.1249G>C (p.Gly417Arg)

Gene: COL3A1 (collagen type III alpha 1 chain; plus strand). Cytogenetic location: 2q32.2.
Variant type: single nucleotide variant.
Coding change: c.1249G>C on transcript NM_000090.4 (MANE Select); coding-DNA position 1249, G replaced by C.
Protein change: p.Gly417Arg; replaces glycine 417 with arginine.
Molecular consequence: missense variant.
Genome position (GRCh38, 1-based): chr2:188,994,288, G>C. VCF-style: chr2-188994288-G-C. GRCh37 (hg19) VCF-style: chr2-189859014-G-C.
Other names: short protein forms G417R.
Identifiers: ClinVar variation 940059 (VCV000940059.10), dbSNP rs587779637, ClinGen allele CA349851452.
Genomic context (GRCh38, chr2:188,994,288, plus strand): 5'-TCTTAGGGTCCCGCTGGCATTCCTGGAGCTCCTGGACTGATGGGAGCCCGGGGTCCTCCA[G>C]GACCAGCCGGTGCTAATGGTGCTCCTGGACTGCGAGGTGGTGCAGTAAGTTGCCTTGTTT-3'
Protein context (NP_000081.2, residues 407-427): PGLMGARGPP[Gly417Arg]PAGANGAPGL

ClinVar aggregate classification (germline): Likely pathogenic (1 of 4 stars; one submission).

Conditions:
Ehlers-Danlos syndrome, type 4 (EDSVASC). Also called: Ehlers-Danlos syndrome vascular type; Ehlers Danlos syndrome, ecchymotic type; Ehlers Danlos syndrome, arterial type; Ehlers Danlos syndrome, Sack-Barabas type; Ehlers-Danlos Syndrome Type IV. Identifiers: Orphanet 286, MedGen C0268338, MONDO:0017314, OMIM 130050.

Submission:

Labcorp Genetics (formerly Invitae), Labcorp
Classification: Likely pathogenic for Ehlers-Danlos syndrome, type 4. Last evaluated: 2019-09-24. Review status: criteria provided, single submitter. Criteria: Invitae Variant Classification Sherloc (09022015). Collection method: clinical testing. Allele origin: germline.
Comment: This sequence change replaces glycine with arginine at codon 417 of the COL3A1 protein (p.Gly417Arg). The glycine residue is highly conserved and there is a moderate physicochemical difference between glycine and arginine. This variant is not present in population databases (ExAC no frequency). Glycine residues within the Gly-Xaa-Yaa repeats of the triple helix domain are required for the structure and stability of fibrillar collagens (PMID: 7695699, 8218237, 19344236). In COL3A1, variants that affect these glycine residues are significantly enriched in individuals with disease (PMID: 24922459, 25758994) compared to the general population (ExAC). In summary, the currently available evidence indicates that the variant is pathogenic, but additional data are needed to prove that conclusively. Therefore, this variant has been classified as Likely Pathogenic. This variant has been observed in an individual with clinical features of Ehlers-Danlos syndrome, vascular type (PMID: 10706896).

Literature cited by the submitters: PubMed 7695699; PubMed 8218237; PubMed 19344236; PubMed 24922459; PubMed 25758994; PubMed 10706896.